The following is an entry in ClinVar:

ClinVar aggregate classification (germline): Uncertain significance. Review status: criteria provided, multiple submitters, no conflicts (2 of 4 stars). 2 submissions from 2 submitters: Uncertain significance (2). Last evaluated 2025-03-01.

gnomAD v4.1: 30 of 1,588,016 alleles (0.0019%); highest among the groups gnomAD compares: East Asian, 0.014%; no homozygotes.

Submissions (2):

Ambry Genetics
Classification: Uncertain significance. Last evaluated: 2025-03-01. Review status: criteria provided, single submitter. Criteria: Ambry Variant Classification Scheme 2023. Collection method: clinical testing. Allele origin: germline.

Labcorp Genetics (formerly Invitae), Labcorp
Classification: Uncertain significance. Last evaluated: 2022-03-17. Review status: criteria provided, single submitter. Criteria: Invitae Variant Classification Sherloc (09022015). Collection method: clinical testing. Allele origin: germline.
Comment: In summary, the available evidence is currently insufficient to determine the role of this variant in disease. Therefore, it has been classified as a Variant of Uncertain Significance. This variant is present in population databases (rs774082505, gnomAD 0.03%). This sequence change replaces serine, which is neutral and polar, with leucine, which is neutral and non-polar, at codon 321 of the LZTS1 protein (p.Ser321Leu). Algorithms developed to predict the effect of missense changes on protein structure and function are either unavailable or do not agree on the potential impact of this missense change (SIFT: "Deleterious"; PolyPhen-2: "Benign"; Align-GVGD: "Class C0"). This variant has not been reported in the literature in individuals affected with LZTS1-related conditions.

NM_021020.5(LZTS1):c.962C>T (p.Ser321Leu)

Gene: LZTS1 (leucine zipper tumor suppressor 1; minus strand). Cytogenetic location: 8p21.3.
Variant type: single nucleotide variant.
Coding change: c.962C>T on transcript NM_021020.5 (MANE Select); coding-DNA position 962, C replaced by T.
Protein change: p.Ser321Leu; replaces serine 321 with leucine.
Molecular consequence: missense variant.
Genome position (GRCh38, 1-based): chr8:20,252,969, G>A on the plus strand (C>T on the coding strand, the complement: LZTS1 is on the minus strand). VCF-style: chr8-20252969-G-A. GRCh37 (hg19) VCF-style: chr8-20110480-G-A.
Other names: c.962C>T, p.Ser321Leu (NM_001362884.2); c.962C>T (NM_021020.2); short protein forms S321L.
Identifiers: ClinVar variation 1979934 (VCV001979934.5), dbSNP rs774082505, ClinGen allele CA4657396.